The following is an entry in ClinVar:

NM_001267550.2(TTN):c.18549C>T (p.Asp6183=)

Genes: TTN (titin; minus strand), LOC126806430 (BRD4-independent group 4 enhancer GRCh37_chr2:179593794-179594993; plus strand). Cytogenetic location: 2q31.2.
Variant type: single nucleotide variant.
Coding change: c.18549C>T on transcript NM_001267550.2 (MANE Select); coding-DNA position 18549, C replaced by T.
Protein change: p.Asp6183=; no amino-acid change (aspartic acid 6183 retained).
Molecular consequence: synonymous variant. On other transcripts: intron variant (3).
Genome position (GRCh38, 1-based): chr2:178,729,704, G>A on the plus strand (C>T on the coding strand, the complement: TTN is on the minus strand). VCF-style: chr2-178729704-G-A. GRCh37 (hg19) VCF-style: chr2-179594431-G-A.
Other names: c.17598C>T, p.Asp5866= (NM_001256850.1); c.14817C>T, p.Asp4939= (NM_133378.4); c.13282+8378C>T (NM_003319.4); c.13858+8378C>T (NM_133437.4); c.13657+8378C>T (NM_133432.3).
Identifiers: ClinVar variation 238713 (VCV000238713.17), dbSNP rs200549353, ClinGen allele CA2001604.
Genomic context (GRCh38, chr2:178,729,704, plus strand): 5'-AATAGATTCCATTCACGAACCTTTCACTTTGAGTTCAATGCTGCAGCTCGCCGTGCCTGC[G>A]TCATTTCGAGCTTCACACACATAAGTCCCACTATTTTCTACCCTGGCACCAGAAATCTGG-3'
Protein context (NP_001254479.2, residues 6173-6193): SGTYVCEARN[Asp6183=]AGTASCSIEL

ClinVar aggregate classification (germline): Conflicting classifications of pathogenicity. Review status: criteria provided, conflicting classifications (1 of 4 stars). 8 submissions from 4 submitters: Uncertain significance (3); Likely benign (5). Last evaluated 2025-12-14.

Conditions:
TTN-related disorder. Also called: TTN-related condition; TTN-related disease; TTN-related disorders.
Autosomal recessive limb-girdle muscular dystrophy type 2J (LGMDR10). Also called: MUSCULAR DYSTROPHY, LIMB-GIRDLE, AUTOSOMAL RECESSIVE 10; Limb-girdle muscular dystrophy, type 2J. Identifiers: Orphanet 140922, MedGen C1837342, MONDO:0012127, OMIM 608807.
Dilated cardiomyopathy 1G (CMD1G). Identifiers: Orphanet 154, MedGen C1858763, MONDO:0011400, OMIM 604145.
Myopathy, myofibrillar, 9, with early respiratory failure (MFM9). Also called: Myopathy, distal, with early respiratory failure, autosomal dominant; EDSTROM MYOPATHY; MYOPATHY, PROXIMAL, WITH EARLY RESPIRATORY MUSCLE INVOLVEMENT; Hereditary myopathy with early respiratory failure. Identifiers: Orphanet 178464, Orphanet 34521, MedGen C1863599, MONDO:0011362, OMIM 603689.
Early-onset myopathy with fatal cardiomyopathy (CMYO5). Also called: CONGENITAL MYOPATHY 5 WITH CARDIOMYOPATHY; Salih Myopathy. Identifiers: Orphanet 289377, MedGen C2673677, MONDO:0012714, OMIM 611705. Disease mechanism: loss of function.
Tibial muscular dystrophy (TMD). Also called: Tibial muscular dystrophy, tardive; UDD MYOPATHY; Udd Distal Myopathy – Tibial Muscular Dystrophy. Identifiers: Orphanet 609, MedGen C1838244, MONDO:0010870, OMIM 600334.

Allele frequency attached by ClinVar (database versions not stated): gnomAD 0.00001 and 0.00002; ExAC 0.00002; gnomAD exomes 0.00002 and 0.00004; TOPMed 0.00002.
gnomAD v4.1: 32 of 1,613,572 alleles (0.002%); highest among the groups gnomAD compares: Admixed American, 0.01%; no homozygotes.

Submissions (8):

Labcorp Genetics (formerly Invitae), Labcorp
Classification: Likely benign for Dilated cardiomyopathy 1G; Autosomal recessive limb-girdle muscular dystrophy type 2J. Last evaluated: 2025-12-14. Review status: criteria provided, single submitter. Criteria: Invitae Variant Classification Sherloc (09022015). Collection method: clinical testing. Allele origin: germline.

PreventionGenetics, part of Exact Sciences
Classification: Likely benign for TTN-related condition. Last evaluated: 2025-11-05. Review status: criteria provided, single submitter. Criteria: ACMG Guidelines, 2015. Collection method: clinical testing. Allele origin: germline.
Comment: This variant is classified as likely benign based on ACMG/AMP sequence variant interpretation guidelines (Richards et al. 2015 PMID: 25741868, with internal and published modifications).

Blueprint Genetics
Classification: Likely benign. Last evaluated: 2024-10-29. Review status: criteria provided, single submitter. Criteria: ACMG Guidelines, 2015. Collection method: clinical testing. Allele origin: germline.

Illumina Laboratory Services, Illumina
Classification: Uncertain significance for Early-onset myopathy with fatal cardiomyopathy. Last evaluated: 2018-01-12. Review status: criteria provided, single submitter. Criteria: ICSL Variant Classification Criteria 13 December 2019. Collection method: clinical testing. Allele origin: germline.

Illumina Laboratory Services, Illumina
Classification: Likely benign for Myopathy, myofibrillar, 9, with early respiratory failure. Last evaluated: 2018-01-12. Review status: criteria provided, single submitter. Criteria: ICSL Variant Classification Criteria 13 December 2019. Collection method: clinical testing. Allele origin: germline.
Comment: This variant was observed in the ICSL laboratory as part of a predisposition screen in an ostensibly healthy population. It had not been previously curated by ICSL or reported in the Human Gene Mutation Database (HGMD: prior to June 1st, 2018), and was therefore a candidate for classification through an automated scoring system. Utilizing variant allele frequency, disease prevalence and penetrance estimates, and inheritance mode, an automated score was calculated to assess if this variant is too frequent to cause the disease. Based on the score and internal cut-off values, a variant classified as likely benign is not then subjected to further curation. The score for this variant resulted in a classification of likely benign for this disease.

Illumina Laboratory Services, Illumina
Classification: Likely benign for Tibial muscular dystrophy. Last evaluated: 2018-01-12. Review status: criteria provided, single submitter. Criteria: ICSL Variant Classification Criteria 13 December 2019. Collection method: clinical testing. Allele origin: germline.
Comment: the same text as in the submission from Illumina Laboratory Services, Illumina above.

Illumina Laboratory Services, Illumina
Classification: Uncertain significance for Dilated cardiomyopathy 1G. Last evaluated: 2018-01-12. Review status: criteria provided, single submitter. Criteria: ICSL Variant Classification Criteria 13 December 2019. Collection method: clinical testing. Allele origin: germline.

Illumina Laboratory Services, Illumina
Classification: Uncertain significance for Autosomal recessive limb-girdle muscular dystrophy type 2J. Last evaluated: 2018-01-12. Review status: criteria provided, single submitter. Criteria: ICSL Variant Classification Criteria 13 December 2019. Collection method: clinical testing. Allele origin: germline.